The following is an entry in ClinVar:

NM_198253.3(TERT):c.2197A>T (p.Ile733Phe)

Gene: TERT (telomerase reverse transcriptase; minus strand). Cytogenetic location: 5p15.33.
Variant type: single nucleotide variant.
Coding change: c.2197A>T on transcript NM_198253.3 (MANE Select); coding-DNA position 2197, A replaced by T.
Protein change: p.Ile733Phe; replaces isoleucine 733 with phenylalanine.
Molecular consequence: missense variant. On other transcripts: non-coding transcript variant (2).
Genome position (GRCh38, 1-based): chr5:1,278,730, T>A on the plus strand (A>T on the coding strand, the complement: TERT is on the minus strand). VCF-style: chr5-1278730-T-A. GRCh37 (hg19) VCF-style: chr5-1278845-T-A.
Other names: c.2197A>T, p.Ile733Phe (NM_001193376.3); short protein forms I733F.
Identifiers: ClinVar variation 850951 (VCV000850951.10), dbSNP rs1749791069, ClinGen allele CA359079451.
Genomic context (GRCh38, chr5:1,278,730, plus strand): 5'-CATGGGCGGCCTTCTGGACCACGGCATACCGACGCACGCAGTACGTGTTCTGGGGTTTGA[T>A]GATGCTGGCGATGACCTCCGTGAGCCTGTCCTGGGGGATGGTGTCGTACGCGCCCGTCAC-3'
Protein context (NP_937983.2, residues 723-743): DRLTEVIASI[Ile733Phe]KPQNTYCVRR

ClinVar aggregate classification (germline): Uncertain significance (1 of 4 stars; one submission).

Conditions:
Dyskeratosis congenita, autosomal dominant 2. Identifiers: MedGen C3151443, MONDO:0013521, OMIM 613989.
Idiopathic Pulmonary Fibrosis. Also called: Idiopathic fibrosing alveolitis, chronic form; idiopathic fibrosing alveolitis. Identifiers: Orphanet 2032, MedGen C1800706, MeSH D054990, MONDO:0800504.

Submission:

Labcorp Genetics (formerly Invitae), Labcorp
Classification: Uncertain significance for Dyskeratosis congenita, autosomal dominant 2; Idiopathic Pulmonary Fibrosis. Last evaluated: 2019-11-20. Review status: criteria provided, single submitter. Criteria: Invitae Variant Classification Sherloc (09022015). Collection method: clinical testing. Allele origin: germline.
Comment: In summary, the available evidence is currently insufficient to determine the role of this variant in disease. Therefore, it has been classified as a Variant of Uncertain Significance. Algorithms developed to predict the effect of missense changes on protein structure and function are either unavailable or do not agree on the potential impact of this missense change (SIFT: "Deleterious"; PolyPhen-2: "Benign"; Align-GVGD: "Class C0"). This variant has not been reported in the literature in individuals with TERT-related conditions. This variant is not present in population databases (ExAC no frequency). This sequence change replaces isoleucine with phenylalanine at codon 733 of the TERT protein (p.Ile733Phe). The isoleucine residue is moderately conserved and there is a small physicochemical difference between isoleucine and phenylalanine.